The following is an entry in ClinVar:

NM_198253.3(TERT):c.1339C>G (p.Arg447Gly)

Gene: TERT (telomerase reverse transcriptase; minus strand). Cytogenetic location: 5p15.33.
Variant type: single nucleotide variant.
Coding change: c.1339C>G on transcript NM_198253.3 (MANE Select); coding-DNA position 1339, C replaced by G.
Protein change: p.Arg447Gly; replaces arginine 447 with glycine.
Molecular consequence: missense variant. On other transcripts: non-coding transcript variant (2).
Genome position (GRCh38, 1-based): chr5:1,293,547, G>C on the plus strand (C>G on the coding strand, the complement: TERT is on the minus strand). VCF-style: chr5-1293547-G-C. GRCh37 (hg19) VCF-style: chr5-1293662-G-C.
Other names: c.1339C>G, p.Arg447Gly (NM_001193376.3, NM_003219.1); short protein forms R447G.
Identifiers: ClinVar variation 2925114 (VCV002925114.4), dbSNP rs1304418053, ClinGen allele CA359086109.

ClinVar aggregate classification (germline): Uncertain significance. Review status: criteria provided, multiple submitters, no conflicts (2 of 4 stars). 2 submissions from 2 submitters: Uncertain significance (2). Last evaluated 2025-12-27.

Conditions:
Dyskeratosis congenita. Identifiers: Orphanet 1775, MedGen C0265965, MONDO:0015780.
Dyskeratosis congenita, autosomal dominant 2. Identifiers: MedGen C3151443, MONDO:0013521, OMIM 613989.
Idiopathic Pulmonary Fibrosis. Also called: Idiopathic fibrosing alveolitis, chronic form; idiopathic fibrosing alveolitis. Identifiers: Orphanet 2032, MedGen C1800706, MeSH D054990, MONDO:0800504.

gnomAD v4.1: 1 of 1,549,966 alleles (0.000065%); highest among the groups gnomAD compares: Non-Finnish European, 0.000087%; no homozygotes.

Submissions (2):

Ambry Genetics
Classification: Uncertain significance for Dyskeratosis congenita. Last evaluated: 2025-12-27. Review status: criteria provided, single submitter. Criteria: Ambry Variant Classification Scheme 2023. Collection method: clinical testing. Allele origin: germline.
Comment: The p.R447G variant (also known as c.1339C>G), located in coding exon 2 of the TERT gene, results from a C to G substitution at nucleotide position 1339. The arginine at codon 447 is replaced by glycine, an amino acid with dissimilar properties. This amino acid position is conserved. In addition, this alteration is predicted to be tolerated by in silico analysis. Based on the available evidence, the clinical significance of this variant remains unclear.

Labcorp Genetics (formerly Invitae), Labcorp
Classification: Uncertain significance for Dyskeratosis congenita, autosomal dominant 2; Idiopathic Pulmonary Fibrosis. Last evaluated: 2023-10-23. Review status: criteria provided, single submitter. Criteria: Invitae Variant Classification Sherloc (09022015). Collection method: clinical testing. Allele origin: germline.
Comment: This sequence change replaces arginine, which is basic and polar, with glycine, which is neutral and non-polar, at codon 447 of the TERT protein (p.Arg447Gly). This variant is not present in population databases (gnomAD no frequency). This variant has not been reported in the literature in individuals affected with TERT-related conditions. Advanced modeling of protein sequence and biophysical properties (such as structural, functional, and spatial information, amino acid conservation, physicochemical variation, residue mobility, and thermodynamic stability) has been performed at Invitae for this missense variant, however the output from this modeling did not meet the statistical confidence thresholds required to predict the impact of this variant on TERT protein function. In summary, the available evidence is currently insufficient to determine the role of this variant in disease. Therefore, it has been classified as a Variant of Uncertain Significance.